The following is an entry in ClinVar:

ClinVar aggregate classification (germline): Uncertain significance. Review status: criteria provided, multiple submitters, no conflicts (2 of 4 stars). 2 submissions from 2 submitters: Uncertain significance (2). Last evaluated 2025-10-26.

Conditions:
Congenital myasthenic syndrome 5. Identifiers: Orphanet 590, MedGen C1864233, MONDO:0011281, OMIM 603034.
Inborn genetic diseases. Identifiers: MedGen C0950123, MeSH D030342.

gnomAD v4.1: 2 of 1,614,080 alleles (0.00012%); highest among the groups gnomAD compares: Admixed American, 0.0033%; no homozygotes.

Submissions (2):

Labcorp Genetics (formerly Invitae), Labcorp
Classification: Uncertain significance for Congenital myasthenic syndrome 5. Last evaluated: 2025-10-26. Review status: criteria provided, single submitter. Criteria: Invitae Variant Classification Sherloc (09022015). Collection method: clinical testing. Allele origin: germline.
Comment: This sequence change replaces threonine, which is neutral and polar, with asparagine, which is neutral and polar, at codon 360 of the COLQ protein (p.Thr360Asn). This variant is present in population databases (no rsID available, gnomAD 0.006%). This variant has not been reported in the literature in individuals affected with COLQ-related conditions. ClinVar contains an entry for this variant (Variation ID: 3268910). Invitae Evidence Modeling of protein sequence and biophysical properties (such as structural, functional, and spatial information, amino acid conservation, physicochemical variation, residue mobility, and thermodynamic stability) indicates that this missense variant is not expected to disrupt COLQ protein function with a negative predictive value of 80%. In summary, the available evidence is currently insufficient to determine the role of this variant in disease. Therefore, it has been classified as a Variant of Uncertain Significance.

Ambry Genetics
Classification: Uncertain significance for Inborn genetic diseases. Last evaluated: 2024-06-16. Review status: criteria provided, single submitter. Criteria: Ambry Variant Classification Scheme 2023. Collection method: clinical testing. Allele origin: germline.

NM_005677.4(COLQ):c.1079C>A (p.Thr360Asn)

Gene: COLQ (collagen like tail subunit of asymmetric acetylcholinesterase; minus strand). Cytogenetic location: 3p25.1.
Variant type: single nucleotide variant.
Coding change: c.1079C>A on transcript NM_005677.4 (MANE Select); coding-DNA position 1079, C replaced by A.
Protein change: p.Thr360Asn; replaces threonine 360 with asparagine.
Molecular consequence: missense variant.
Genome position (GRCh38, 1-based): chr3:15,456,015, G>T on the plus strand (C>A on the coding strand, the complement: COLQ is on the minus strand). VCF-style: chr3-15456015-G-T. GRCh37 (hg19) VCF-style: chr3-15497522-G-T.
Other names: c.1049C>A, p.Thr350Asn (NM_080538.2); c.977C>A, p.Thr326Asn (NM_080539.4); short protein forms T350N, T360N, T326N.
Identifiers: ClinVar variation 3268910 (VCV003268910.2).
Genomic context (GRCh38, chr3:15,456,015, plus strand): 5'-AGGAGCCCATCCCCACAGGTGCCGTGCTGGTCTGCAGTGTAATCCACAGGGTAGAAAGGG[G>T]TCAGCTGGCCAAAGAAGCACACAGCATTAACTGGAGCATGGCATACCCAGGCAGCCGCAG-3'
Protein context (NP_005668.2, residues 350-370): DSLGWLPIQL[Thr360Asn]PFYPVDYTAD